The following is an entry in ClinVar:

ClinVar aggregate classification (germline): Likely pathogenic (1 of 4 stars; one submission).

Conditions:
Familial cancer of breast. Also called: Hereditary breast cancer; BREAST CANCER, FAMILIAL; hereditary breast carcinoma. Identifiers: Orphanet 227535, MedGen C0346153, MONDO:0016419, OMIM 114480. Disease mechanism: loss of function.

Submission:

Myriad Genetics, Inc.
Classification: Likely pathogenic for Familial cancer of breast. Last evaluated: 2025-10-08. Review status: criteria provided, single submitter. Criteria: Myriad Autosomal Dominant, Autosomal Recessive and X-Linked Classification Criteria (2023). Collection method: clinical testing. Allele origin: unknown.
Comment: This variant is considered likely pathogenic. This variant occurs within a consensus splice junction and is predicted to result in abnormal mRNA splicing of either an out-of-frame exon or an in-frame exon necessary for protein stability and/or normal function.

NM_000051.4(ATM):c.902-3_905delinsTTGTTGA

Gene: ATM (ATM serine/threonine kinase; plus strand). Cytogenetic location: 11q22.3.
Variant type: Indel.
Coding change: c.902-3_905delinsTTGTTGA on transcript NM_000051.4 (MANE Select); 3 bases into the intron before coding-DNA position 902 through coding-DNA position 905, CAGGTGC replaced by TTGTTGA.
Molecular consequence: splice acceptor variant.
Genome position (GRCh38, 1-based): chr11:108,246,961-108,246,967, CAGGTGC replaced by TTGTTGA. VCF-style: chr11-108246961-CAGGTGC-TTGTTGA. GRCh37 (hg19) VCF-style: chr11-108117688-CAGGTGC-TTGTTGA.
Other names: c.902-3_905delinsTTGTTGA (NM_001351834.2).
Identifiers: ClinVar variation 4812972 (VCV004812972.1).
Genomic context (GRCh38, chr11:108,246,961, plus strand): 5'-GGGAGCTAGCAGTGTAAACAGAGTACATACATAAAAATTACATTTTAATTTTTTGGATTA[CAGGTGC>TTGTTGA]TTATGAATCAACAAAATGGAGAAGTATTTTATACAACTTATATGATCTGCTAGTGAATGA-3'